The following is an entry in ClinVar:

NM_000264.5(PTCH1):c.4231G>T (p.Asp1411Tyr)

Gene: PTCH1 (patched 1; minus strand). Cytogenetic location: 9q22.32.
Variant type: single nucleotide variant.
Coding change: c.4231G>T on transcript NM_000264.5 (MANE Select); coding-DNA position 4231, G replaced by T.
Protein change: p.Asp1411Tyr; replaces aspartic acid 1411 with tyrosine.
Molecular consequence: missense variant. On other transcripts: non-coding transcript variant (1).
Genome position (GRCh38, 1-based): chr9:95,447,025, C>A on the plus strand (G>T on the coding strand, the complement: PTCH1 is on the minus strand). VCF-style: chr9-95447025-C-A. GRCh37 (hg19) VCF-style: chr9-98209307-C-A.
Other names: c.4033G>T, p.Asp1345Tyr (NM_001083602.3); c.4228G>T, p.Asp1410Tyr (NM_001083603.3); c.3778G>T, p.Asp1260Tyr (NM_001083604.3, NM_001083605.3, NM_001083606.3 and 1 more transcripts); c.4075G>T, p.Asp1359Tyr (NM_001354918.2); short protein forms D1345Y, D1260Y, D1359Y, D1410Y, D1411Y.
Identifiers: ClinVar variation 4845079 (VCV004845079.1).

ClinVar aggregate classification (germline): Uncertain significance (1 of 4 stars; one submission).

Conditions:
Hereditary cancer-predisposing syndrome. Also called: Neoplastic Syndromes, Hereditary; Tumor predisposition; Hereditary Cancer Syndrome; Hereditary neoplastic syndrome. Identifiers: Orphanet 140162, MedGen C0027672, MeSH D009386, MONDO:0015356.

gnomAD v4.1: 1 of 1,614,212 alleles (0.000062%); highest among the groups gnomAD compares: Admixed American, 0.0017%; no homozygotes.

Submission:

Ambry Genetics
Classification: Uncertain significance for Hereditary cancer-predisposing syndrome. Last evaluated: 2026-02-10. Review status: criteria provided, single submitter. Criteria: Ambry Variant Classification Scheme 2023. Collection method: clinical testing. Allele origin: germline.
Comment: The p.D1411Y variant (also known as c.4231G>T), located in coding exon 23 of the PTCH1 gene, results from a G to T substitution at nucleotide position 4231. The aspartic acid at codon 1411 is replaced by tyrosine, an amino acid with highly dissimilar properties. This amino acid position is highly conserved in available vertebrate species. In addition, this alteration is predicted to be deleterious by in silico analysis. Based on the available evidence, the clinical significance of this variant remains unclear.